The following is an entry in ClinVar:

ClinVar aggregate classification (germline): Benign. Review status: criteria provided, multiple submitters, no conflicts (2 of 4 stars). 2 submissions from 2 submitters: Benign (2). Last evaluated 2018-06-13.

Allele frequency attached by ClinVar (database versions not stated): 1000 Genomes Project 30x 0.03966; 1000 Genomes Project 0.04153; TOPMed 0.06860; ESP Exome Variant Server 0.07389; gnomAD 0.07502 and 0.07600; gnomAD exomes 0.08311 and 0.10659; ExAC 0.11144.
gnomAD v4.1: 151,551 of 1,474,452 alleles (10%); highest among the groups gnomAD compares: Non-Finnish European, 12%; 8,622 homozygotes.

Submissions (2):

GeneDx
Classification: Benign. Last evaluated: 2018-06-13. Review status: criteria provided, single submitter. Criteria: GeneDx Variant Classification (06012015). Collection method: clinical testing. Allele origin: germline. Affected: yes.
Comment: This variant is considered likely benign or benign based on one or more of the following criteria: it is a conservative change, it occurs at a poorly conserved position in the protein, it is predicted to be benign by multiple in silico algorithms, and/or has population frequency not consistent with disease.

Breakthrough Genomics
Classification: Benign. Review status: criteria provided, single submitter. Criteria: ACMG Guidelines, 2015. Collection method: not provided. Allele origin: germline. Inheritance: Unknown mechanism. Affected: yes.

NM_030770.4(TMPRSS5):c.786-41C>T

Gene: TMPRSS5 (transmembrane serine protease 5; minus strand). Cytogenetic location: 11q23.2.
Variant type: single nucleotide variant.
Coding change: c.786-41C>T on transcript NM_030770.4 (MANE Select); 41 bases into the intron before coding-DNA position 786, C replaced by T.
Molecular consequence: intron variant.
Genome position (GRCh38, 1-based): chr11:113,693,290, G>A on the plus strand (C>T on the coding strand, the complement: TMPRSS5 is on the minus strand). VCF-style: chr11-113693290-G-A. GRCh37 (hg19) VCF-style: chr11-113564012-G-A.
Other names: c.447-41C>T (NM_001288749.2); c.654-41C>T (NM_001288750.2); c.579-41C>T (NM_001288752.2); c.759-41C>T (NM_001288751.2).
Identifiers: ClinVar variation 682697 (VCV000682697.2), dbSNP rs11600570, ClinGen allele CA6281737.